The following is an entry in ClinVar:

NM_014714.4(IFT140):c.94G>C (p.Val32Leu)

Genes: IFT140 (intraflagellar transport 140; minus strand), LOC105371046 (uncharacterized LOC105371046; plus strand). Cytogenetic location: 16p13.3.
Variant type: single nucleotide variant.
Coding change: c.94G>C on transcript NM_014714.4 (MANE Select); coding-DNA position 94, G replaced by C.
Protein change: p.Val32Leu; replaces valine 32 with leucine.
Molecular consequence: missense variant.
Genome position (GRCh38, 1-based): chr16:1,607,173, C>G on the plus strand (G>C on the coding strand, the complement: IFT140 is on the minus strand). VCF-style: chr16-1607173-C-G. GRCh37 (hg19) VCF-style: chr16-1657174-C-G.
Other names: short protein forms V32L.
Identifiers: ClinVar variation 2815083 (VCV002815083.3), dbSNP rs770234866, ClinGen allele CA394194638.

ClinVar aggregate classification (germline): Uncertain significance (1 of 4 stars; one submission).

Conditions:
Saldino-Mainzer syndrome (SRTD9). Also called: CONORENAL SYNDROME; Renal dysplasia, retinal pigmentary dystrophy, cerebellar ataxia and skeletal dysplasia; SHORT-RIB THORACIC DYSPLASIA 9 WITHOUT POLYDACTYLY; short-rib thoracic dysplasia 9 with or without polydactyly. Identifiers: Orphanet 140969, MedGen C1849437, MONDO:0009964, OMIM 266920.

gnomAD v4.1: 1 of 1,614,164 alleles (0.000062%); highest among the groups gnomAD compares: Non-Finnish European, 0.000085%; no homozygotes.

Submission:

Labcorp Genetics (formerly Invitae), Labcorp
Classification: Uncertain significance for Saldino-Mainzer syndrome. Last evaluated: 2025-04-16. Review status: criteria provided, single submitter. Criteria: Invitae Variant Classification Sherloc (09022015). Collection method: clinical testing. Allele origin: germline.
Comment: This sequence change replaces valine, which is neutral and non-polar, with leucine, which is neutral and non-polar, at codon 32 of the IFT140 protein (p.Val32Leu). This variant is not present in population databases (gnomAD no frequency). This variant has not been reported in the literature in individuals affected with IFT140-related conditions. ClinVar contains an entry for this variant (Variation ID: 2815083). Invitae Evidence Modeling of protein sequence and biophysical properties (such as structural, functional, and spatial information, amino acid conservation, physicochemical variation, residue mobility, and thermodynamic stability) indicates that this missense variant is not expected to disrupt IFT140 protein function with a negative predictive value of 80%. In summary, the available evidence is currently insufficient to determine the role of this variant in disease. Therefore, it has been classified as a Variant of Uncertain Significance.